The following is an entry in ClinVar:

NM_000701.8(ATP1A1):c.1265C>A (p.Ser422Tyr)

Gene: ATP1A1 (ATPase Na+/K+ transporting subunit alpha 1; plus strand). Cytogenetic location: 1p13.1.
Variant type: single nucleotide variant.
Coding change: c.1265C>A on transcript NM_000701.8 (MANE Select); coding-DNA position 1265, C replaced by A.
Protein change: p.Ser422Tyr; replaces serine 422 with tyrosine.
Molecular consequence: missense variant.
Genome position (GRCh38, 1-based): chr1:116,390,824, C>A. VCF-style: chr1-116390824-C-A. GRCh37 (hg19) VCF-style: chr1-116933446-C-A.
Other names: c.1265C>A, p.Ser422Tyr (NM_001160233.2); c.1172C>A, p.Ser391Tyr (NM_001160234.2); short protein forms S422Y, S391Y.
Identifiers: ClinVar variation 1356320 (VCV001356320.7), dbSNP rs757650235, ClinGen allele CA1025269.
Genomic context (GRCh38, chr1:116,390,824, plus strand): 5'-TTTTCTTGCCTCCATCAGGTGTCTCTTTTGACAAGACTTCAGCTACCTGGCTTGCTCTGT[C>A]CAGAATTGCAGGTCTTTGTAACAGGGCAGTGTTTCAGGCTAACCAGGAAAACCTACCTAT-3'
Protein context (NP_000692.2, residues 412-432): DKTSATWLAL[Ser422Tyr]RIAGLCNRAV

ClinVar aggregate classification (germline): Likely benign. Review status: criteria provided, multiple submitters, no conflicts (2 of 4 stars). 2 submissions from 2 submitters: Likely benign (2). Last evaluated 2026-09-01.

Allele frequency attached by ClinVar (database versions not stated): gnomAD 0.00001; TOPMed 0.00001; gnomAD exomes 0.00002 and 0.00003; ExAC 0.00004.
gnomAD v4.1: 30 of 1,614,076 alleles (0.0019%); highest among the groups gnomAD compares: Non-Finnish European, 0.0025%; no homozygotes.

Submissions (2):

CeGaT Center for Human Genetics Tuebingen
Classification: Likely benign. Last evaluated: 2026-09-01. Review status: criteria provided, single submitter. Criteria: CeGaT Center For Human Genetics Tuebingen Variant Classification Criteria Version 2. Collection method: clinical testing. Allele origin: germline. Affected: yes. Observed: 1 variant allele.
Comment: ATP1A1: PP2, BS2

Labcorp Genetics (formerly Invitae), Labcorp
Classification: Likely benign. Last evaluated: 2025-09-17. Review status: criteria provided, single submitter. Criteria: Invitae Variant Classification Sherloc (09022015). Collection method: clinical testing. Allele origin: germline.